The following is an entry in ClinVar:

NM_000548.5(TSC2):c.5108dup (p.Ser1704fs)

Gene: TSC2 (TSC complex subunit 2; plus strand). Cytogenetic location: 16p13.3.
Variant type: Duplication.
Coding change: c.5108dup on transcript NM_000548.5 (MANE Select); coding-DNA position 5108, one base duplicated (T; older notation c.5108dupT).
Protein change: p.Ser1704fs; shifts the reading frame from serine 1704.
Molecular consequence: frameshift variant.
Genome position (GRCh38, 1-based): chr16:2,088,087, T duplicated. VCF-style (leftmost placement, unchanged base first): chr16-2088086-G-GT. GRCh37 (hg19) VCF-style: chr16-2138087-G-GT.
Other names: c.4907dup, p.Ser1637fs (NM_001077183.3); c.5039dup, p.Ser1681fs (NM_001114382.3); c.4799dup, p.Ser1601fs (NM_001318827.2); c.4763dup, p.Ser1589fs (NM_001318829.2); c.4376dup, p.Ser1460fs (NM_001318831.2); c.4940dup, p.Ser1648fs (NM_001318832.2); c.4910dup, p.Ser1638fs (NM_001363528.2); c.4976dup, p.Ser1660fs (NM_001370404.1); and 1 more; short protein forms S1601fs, S1637fs, S1704fs, S1638fs, S1660fs, S1661fs, S1589fs, S1681fs.
Identifiers: ClinVar variation 65312 (VCV000065312.5), dbSNP rs397515227, ClinGen allele CA021735.

ClinVar aggregate classification (germline): Pathogenic. Review status: criteria provided, single submitter (1 of 4 stars). 2 submissions from 2 submitters: Pathogenic (1). 1 of the submissions does not count toward it. Last evaluated 2023-11-24.

Conditions:
Tuberous sclerosis syndrome (TSC). Also called: Tuberous Sclerosis Complex; Tuberous sclerosis. Identifiers: Orphanet 805, MedGen C0041341, MONDO:0001734.
Tuberous sclerosis 2 (TSC2). Identifiers: Orphanet 805, MedGen C1860707, MONDO:0013199, OMIM 613254.

Submissions (2):

Labcorp Genetics (formerly Invitae), Labcorp
Classification: Pathogenic for Tuberous sclerosis 2. Last evaluated: 2023-11-24. Review status: criteria provided, single submitter. Criteria: Invitae Variant Classification Sherloc (09022015). Collection method: clinical testing. Allele origin: germline.
Comment: This sequence change creates a premature translational stop signal (p.Ser1704Valfs*2) in the TSC2 gene. It is expected to result in an absent or disrupted protein product. Loss-of-function variants in TSC2 are known to be pathogenic (PMID: 10205261, 17304050). This variant is not present in population databases (gnomAD no frequency). This variant has not been reported in the literature in individuals affected with TSC2-related conditions. ClinVar contains an entry for this variant (Variation ID: 65312). Algorithms developed to predict the effect of sequence changes on RNA splicing suggest that this variant may disrupt the consensus splice site. For these reasons, this variant has been classified as Pathogenic.

Tuberous sclerosis database (TSC2)
No classification provided. Condition: TSC. Review status: no classification provided. Criteria: Tuberous Sclerosis Database Assertion Criteria 2015. Collection method: curation. Allele origin: germline. Affected: yes. Not counted in ClinVar's aggregate classification.

Literature cited by the submitters: PubMed 10205261 (cited by Labcorp Genetics (formerly Invitae), Labcorp); PubMed 17304050 (cited by Labcorp Genetics (formerly Invitae), Labcorp).